The following is an entry in ClinVar:

NM_015512.5(DNAH1):c.5418C>T (p.Ser1806=)

Gene: DNAH1 (dynein axonemal heavy chain 1; plus strand). Cytogenetic location: 3p21.1.
Variant type: single nucleotide variant.
Coding change: c.5418C>T on transcript NM_015512.5 (MANE Select); coding-DNA position 5418, C replaced by T.
Protein change: p.Ser1806=; no amino-acid change (serine 1806 retained).
Molecular consequence: synonymous variant.
Genome position (GRCh38, 1-based): chr3:52,364,919, C>T. VCF-style: chr3-52364919-C-T. GRCh37 (hg19) VCF-style: chr3-52398935-C-T.
Identifiers: ClinVar variation 712751 (VCV000712751.12), dbSNP rs199597694, ClinGen allele CA2434205.

ClinVar aggregate classification (germline): Benign/Likely benign. Review status: criteria provided, multiple submitters, no conflicts (2 of 4 stars). 3 submissions from 3 submitters: Benign (1); Likely benign (1). 1 of the submissions does not count toward it. Last evaluated 2026-01-17.

Conditions:
Spermatogenic failure 18. Identifiers: MedGen C4539783, MONDO:0054615, OMIM 617576.
Ciliary dyskinesia, primary, 37 (CILD37). Also called: CILIARY DYSKINESIA, PRIMARY, 37, WITH OR WITHOUT SITUS INVERSUS. Identifiers: MedGen C4539798, MONDO:0033204, OMIM 617577.
DNAH1-related disorder. Also called: DNAH1-related condition.

Allele frequency attached by ClinVar (database versions not stated): gnomAD exomes 0.00008 and 0.00014; ExAC 0.00017; 1000 Genomes Project 0.00020; 1000 Genomes Project 30x 0.00031; gnomAD 0.00060 and 0.00066; ESP Exome Variant Server 0.00062; TOPMed 0.00070.
gnomAD v4.1: 205 of 1,613,986 alleles (0.013%); highest among the groups gnomAD compares: African/African-American, 0.21%; no homozygotes.

Submissions (3):

Labcorp Genetics (formerly Invitae), Labcorp
Classification: Benign for Ciliary dyskinesia, primary, 37; Spermatogenic failure 18. Last evaluated: 2026-01-17. Review status: criteria provided, single submitter. Criteria: Invitae Variant Classification Sherloc (09022015). Collection method: clinical testing. Allele origin: germline.

Blueprint Genetics
Classification: Likely benign. Last evaluated: 2024-09-13. Review status: criteria provided, single submitter. Criteria: ACMG Guidelines, 2015. Collection method: clinical testing. Allele origin: germline.

PreventionGenetics, part of Exact Sciences
Classification: Likely benign for DNAH1-related condition. Last evaluated: 2023-05-30. Review status: no assertion criteria provided. Collection method: clinical testing. Allele origin: germline. Not counted in ClinVar's aggregate classification.
Comment: This variant is classified as likely benign based on ACMG/AMP sequence variant interpretation guidelines (Richards et al. 2015 PMID: 25741868, with internal and published modifications).